The following is an entry in ClinVar:

NM_020832.3(ZNF687):c.1769T>G (p.Leu590Arg)

Gene: ZNF687 (zinc finger protein 687; plus strand). Cytogenetic location: 1q21.3.
Variant type: single nucleotide variant.
Coding change: c.1769T>G on transcript NM_020832.3 (MANE Select); coding-DNA position 1769, T replaced by G.
Protein change: p.Leu590Arg; replaces leucine 590 with arginine.
Molecular consequence: missense variant.
Genome position (GRCh38, 1-based): chr1:151,288,060, T>G. VCF-style: chr1-151288060-T-G. GRCh37 (hg19) VCF-style: chr1-151260536-T-G.
Other names: c.1769T>G, p.Leu590Arg (NM_001304763.2, NM_001304764.2); short protein forms L590R.
Identifiers: ClinVar variation 2307544 (VCV002307544.5), dbSNP rs1236366645, ClinGen allele CA341946598.

ClinVar aggregate classification (germline): Uncertain significance. Review status: criteria provided, multiple submitters, no conflicts (2 of 4 stars). 2 submissions from 2 submitters: Uncertain significance (2). Last evaluated 2025-12-29.

gnomAD v4.1: 1 of 1,614,046 alleles (0.000062%); highest among the groups gnomAD compares: Admixed American, 0.0017%; no homozygotes.

Submissions (2):

Labcorp Genetics (formerly Invitae), Labcorp
Classification: Uncertain significance. Last evaluated: 2025-12-29. Review status: criteria provided, single submitter. Criteria: Invitae Variant Classification Sherloc (09022015). Collection method: clinical testing. Allele origin: germline.
Comment: This sequence change replaces leucine, which is neutral and non-polar, with arginine, which is basic and polar, at codon 590 of the ZNF687 protein (p.Leu590Arg). This variant is present in population databases (no rsID available, gnomAD 0.003%). This variant has not been reported in the literature in individuals affected with ZNF687-related conditions. ClinVar contains an entry for this variant (Variation ID: 2307544). An algorithm developed to predict the effect of missense changes on protein structure and function (PolyPhen-2) suggests that this variant is likely to be disruptive. In summary, the available evidence is currently insufficient to determine the role of this variant in disease. Therefore, it has been classified as a Variant of Uncertain Significance.

Ambry Genetics
Classification: Uncertain significance. Last evaluated: 2022-08-16. Review status: criteria provided, single submitter. Criteria: Ambry Variant Classification Scheme 2023. Collection method: clinical testing. Allele origin: germline.